The following is an entry in ClinVar:

NM_001378609.3(OTOGL):c.6835A>G (p.Lys2279Glu)

Gene: OTOGL (otogelin like; plus strand). Cytogenetic location: 12q21.31.
Variant type: single nucleotide variant.
Coding change: c.6835A>G on transcript NM_001378609.3 (MANE Select); coding-DNA position 6835, A replaced by G.
Protein change: p.Lys2279Glu; replaces lysine 2279 with glutamic acid.
Molecular consequence: missense variant.
Genome position (GRCh38, 1-based): chr12:80,377,176, A>G. VCF-style: chr12-80377176-A-G. GRCh37 (hg19) VCF-style: chr12-80770956-A-G.
Other names: c.6700A>G, p.Lys2234Glu (NM_001368062.3); c.6835A>G, p.Lys2279Glu (NM_001378610.3, NM_173591.7); short protein forms K2234E, K2279E.
Identifiers: ClinVar variation 2662379 (VCV002662379.1), dbSNP rs780144604, ClinGen allele CA6702172.

ClinVar aggregate classification (germline): Uncertain significance (1 of 4 stars; one submission).

Allele frequency attached by ClinVar (database versions not stated): TOPMed below 0.00001; ExAC 0.00001; gnomAD 0.00001; gnomAD exomes 0.00004.
gnomAD v4.1: 54 of 1,609,356 alleles (0.0034%); highest among the groups gnomAD compares: Non-Finnish European, 0.0045%; no homozygotes.

Submission:

GeneDx
Classification: Uncertain significance. Last evaluated: 2023-05-08. Review status: criteria provided, single submitter. Criteria: GeneDx Variant Classification Process June 2021. Collection method: clinical testing. Allele origin: germline. Affected: yes.
Comment: Not observed at significant frequency in large population cohorts (gnomAD); In silico analysis supports that this missense variant has a deleterious effect on protein structure/function; Has not been previously published as pathogenic or benign to our knowledge